The following is an entry in ClinVar:

ClinVar aggregate classification (germline): Conflicting classifications of pathogenicity. Review status: criteria provided, conflicting classifications (1 of 4 stars). 8 submissions from 8 submitters: Uncertain significance (4); Likely benign (4). Last evaluated 2026-01-28.

Conditions:
Cardiovascular phenotype. Identifiers: MedGen CN230736.
Becker muscular dystrophy (BMD). Also called: Becker Muscular Dystrophy (BMD); MUSCULAR DYSTROPHY, PSEUDOHYPERTROPHIC PROGRESSIVE, BECKER TYPE. Identifiers: Orphanet 98895, MedGen C0917713, MONDO:0010311, OMIM 300376.
Duchenne muscular dystrophy (DMD). Also called: MUSCULAR DYSTROPHY, PSEUDOHYPERTROPHIC PROGRESSIVE, DUCHENNE TYPE; Duchenne Muscular Dystrophy (DMD). Identifiers: Orphanet 98896, MedGen C0013264, MONDO:0010679, OMIM 310200.
Dilated cardiomyopathy 3B (CMD3B). Also called: CMD3B: DMD-Related Dilated Cardiomyopathy; CARDIOMYOPATHY, DILATED, X-LINKED; DMD-Associated Dilated Cardiomyopathy. Identifiers: Orphanet 154, MedGen C3668940, MONDO:0010542, OMIM 302045.

Allele frequency attached by ClinVar (database versions not stated): gnomAD 0.00005; TOPMed 0.00009; ESP Exome Variant Server 0.00028.
gnomAD v4.1: 98 of 1,209,239 alleles (0.0081%); highest among the groups gnomAD compares: African/African-American, 0.011%; no homozygotes.

Submissions (8):

Labcorp Genetics (formerly Invitae), Labcorp
Classification: Likely benign for Duchenne muscular dystrophy. Last evaluated: 2026-01-28. Review status: criteria provided, single submitter. Criteria: Invitae Variant Classification Sherloc (09022015). Collection method: clinical testing. Allele origin: germline.

Revvity Omics, Revvity
Classification: Likely benign. Last evaluated: 2025-05-12. Review status: criteria provided, single submitter. Criteria: ACMG Guidelines, 2015. Collection method: clinical testing. Allele origin: germline.

ARUP Laboratories, Molecular Genetics and Genomics, ARUP Laboratories
Classification: Uncertain significance. Last evaluated: 2025-05-01. Review status: criteria provided, single submitter. Criteria: ARUP Molecular Germline Variant Investigation Process 2024. Collection method: clinical testing. Allele origin: germline.
Comment: The DMD c.1687C>T; p.Arg563Cys variant (rs145739725), to our knowledge, is not reported in the medical literature but is reported in ClinVar (Variation ID: 289591). This variant is primarily found in the non-Finnish European population with an allele frequency of 0.01% (10/92,290 alleles, including 3 hemizygotes) in the Genome Aggregation Database (v2.1.1). Computational analyses are uncertain whether this variant is neutral or deleterious (REVEL: 0.154). Due to limited information, the clinical significance of this variant is uncertain at this time.

Ambry Genetics
Classification: Likely benign for Cardiovascular phenotype. Last evaluated: 2020-06-09. Review status: criteria provided, single submitter. Criteria: Ambry Variant Classification Scheme 2023. Collection method: clinical testing. Allele origin: germline.

GeneDx
Classification: Likely benign. Last evaluated: 2019-01-29. Review status: criteria provided, single submitter. Criteria: GeneDx Variant Classification Process June 2021. Collection method: clinical testing. Allele origin: germline. Affected: yes.

Fulgent Genetics
Classification: Uncertain significance for Becker muscular dystrophy; Dilated cardiomyopathy 3B; Duchenne muscular dystrophy. Last evaluated: 2018-10-31. Review status: criteria provided, single submitter. Criteria: ACMG Guidelines, 2015. Collection method: clinical testing. Allele origin: unknown.

Eurofins Ntd Llc (ga)
Classification: Uncertain significance. Last evaluated: 2016-07-29. Review status: criteria provided, single submitter. Criteria: EGL Classification Definitions 2015. Collection method: clinical testing. Allele origin: germline. Observed: 1 variant allele, 1 hemizygote.

CeGaT Center for Human Genetics Tuebingen
Classification: Uncertain significance. Last evaluated: 2016-06-01. Review status: criteria provided, single submitter. Criteria: CeGaT Center For Human Genetics Tuebingen Variant Classification Criteria Version 2. Collection method: clinical testing. Allele origin: germline. Affected: yes. Observed: 1 variant allele.

NM_004006.3(DMD):c.1687C>T (p.Arg563Cys)

Gene: DMD (dystrophin; minus strand). Cytogenetic location: Xp21.1.
Variant type: single nucleotide variant.
Coding change: c.1687C>T on transcript NM_004006.3 (MANE Select); coding-DNA position 1687, C replaced by T.
Protein change: p.Arg563Cys; replaces arginine 563 with cysteine.
Molecular consequence: missense variant.
Genome position (GRCh38, 1-based): chrX:32,573,762, G>A on the plus strand (C>T on the coding strand, the complement: DMD is on the minus strand). VCF-style: chrX-32573762-G-A. GRCh37 (hg19) VCF-style: chrX-32591879-G-A.
Other names: c.1663C>T, p.Arg555Cys (NM_000109.4); c.1675C>T, p.Arg559Cys (NM_004009.3); c.1318C>T, p.Arg440Cys (NM_004010.3); short protein forms R563C, R559C, R440C, R555C.
Identifiers: ClinVar variation 289591 (VCV000289591.66), dbSNP rs145739725, ClinGen allele CA10379768.